The following is an entry in ClinVar:

ClinVar aggregate classification (germline): Uncertain significance (1 of 4 stars; one submission).

Submission:

Labcorp Genetics (formerly Invitae), Labcorp
Classification: Uncertain significance. Last evaluated: 2023-06-09. Review status: criteria provided, single submitter. Criteria: Invitae Variant Classification Sherloc (09022015). Collection method: clinical testing. Allele origin: germline.
Comment: In summary, the available evidence is currently insufficient to determine the role of this variant in disease. Therefore, it has been classified as a Variant of Uncertain Significance. Algorithms developed to predict the effect of sequence changes on RNA splicing suggest that this variant may create or strengthen a splice site. This variant has not been reported in the literature in individuals affected with MICAL1-related conditions. This variant is not present in population databases (gnomAD no frequency). This sequence change affects codon 526 of the MICAL1 mRNA. It is a 'silent' change, meaning that it does not change the encoded amino acid sequence of the MICAL1 protein.

NM_022765.4(MICAL1):c.1521G>T (p.Ser507=)

Gene: MICAL1 (microtubule associated monooxygenase, calponin and LIM domain containing 1; minus strand). Cytogenetic location: 6q21.
Variant type: single nucleotide variant.
Coding change: c.1521G>T on transcript NM_022765.4 (MANE Select); coding-DNA position 1521, G replaced by T.
Protein change: p.Ser507=; no amino-acid change (serine 507 retained).
Molecular consequence: synonymous variant.
Genome position (GRCh38, 1-based): chr6:109,448,875, C>A on the plus strand (G>T on the coding strand, the complement: MICAL1 is on the minus strand). VCF-style: chr6-109448875-C-A. GRCh37 (hg19) VCF-style: chr6-109770078-C-A.
Other names: c.1263G>T, p.Ser421= (NM_001159291.2); c.1578G>T, p.Ser526= (NM_001286613.2).
Identifiers: ClinVar variation 2706931 (VCV002706931.3), dbSNP rs375751590, ClinGen allele CA451752564.